The following is an entry in ClinVar:

ClinVar aggregate classification (germline): Benign (0 of 4 stars; one submission).

Conditions:
CTTNBP2-related disorder. Also called: CTTNBP2-related condition.

Allele frequency attached by ClinVar (database versions not stated): 1000 Genomes Project 0.01657; 1000 Genomes Project 30x 0.01718; ESP Exome Variant Server 0.02645; TOPMed 0.02674; gnomAD 0.02745; ExAC 0.02770; gnomAD exomes 0.03380.
gnomAD v4.1: 53,295 of 1,613,906 alleles (3.3%); highest among the groups gnomAD compares: Non-Finnish European, 3.8%; 1,004 homozygotes.

Submission:

PreventionGenetics, part of Exact Sciences
Classification: Benign for CTTNBP2-related condition. Last evaluated: 2019-03-05. Review status: no assertion criteria provided. Collection method: clinical testing. Allele origin: germline.
Comment: This variant is classified as benign based on ACMG/AMP sequence variant interpretation guidelines (Richards et al. 2015 PMID: 25741868, with internal and published modifications).

NM_033427.3(CTTNBP2):c.3637T>G (p.Leu1213Val)

Gene: CTTNBP2 (cortactin binding protein 2; minus strand). Cytogenetic location: 7q31.31.
Variant type: single nucleotide variant.
Coding change: c.3637T>G on transcript NM_033427.3 (MANE Select); coding-DNA position 3637, T replaced by G.
Protein change: p.Leu1213Val; replaces leucine 1213 with valine.
Molecular consequence: missense variant.
Genome position (GRCh38, 1-based): chr7:117,735,320, A>C on the plus strand (T>G on the coding strand, the complement: CTTNBP2 is on the minus strand). VCF-style: chr7-117735320-A-C. GRCh37 (hg19) VCF-style: chr7-117375374-A-C.
Other names: c.3583T>G, p.Leu1195Val (NM_001363349.1); c.1540T>G, p.Leu514Val (NM_001363350.1, NM_001363351.1); short protein forms L1195V, L1213V, L514V.
Identifiers: ClinVar variation 3060209 (VCV003060209.2), dbSNP rs62617115, ClinGen allele CA4452147.
Genomic context (GRCh38, chr7:117,735,320, plus strand): 5'-TAGCGTTACCTTTTTGGAAAGTGCAGGGGCTTTCAGTGCTGCGATTTTCAAGAGGTGCCA[A>C]AAAGTCCCTCAATAACTCCGACAGTGAAGATTTTTCTAAATTTTCTAAAATGATGATGAT-3'
Protein context (NP_219499.1, residues 1203-1223): SSLSELLRDF[Leu1213Val]APLENRSTES